The following is an entry in ClinVar:

NM_005883.3(APC2):c.849G>A (p.Leu283=)

Gene: APC2 (APC regulator of Wnt signaling pathway 2; plus strand). Cytogenetic location: 19p13.3.
Variant type: single nucleotide variant.
Coding change: c.849G>A on transcript NM_005883.3 (MANE Select); coding-DNA position 849, G replaced by A.
Protein change: p.Leu283=; no amino-acid change (leucine 283 retained).
Molecular consequence: synonymous variant.
Genome position (GRCh38, 1-based): chr19:1,456,885, G>A. VCF-style: chr19-1456885-G-A. GRCh37 (hg19) VCF-style: chr19-1456884-G-A.
Other names: c.846G>A, p.Leu282= (NM_001351273.1).
Identifiers: ClinVar variation 2631902 (VCV002631902.4), dbSNP rs200347634, ClinGen allele CA9044914.
Genomic context (GRCh38, chr19:1,456,885, plus strand): 5'-CCCCACCCTGACCCTGCCCTCCCCCCAGGTGGAGGTGGTCTTCTGGCTGTTGTCCATGTT[G>A]GCGACGCGCGACCAGGAGGATACAGCGCGCACGCTGCTGGCCATGTCCAGCTCGCCCGAG-3'
Protein context (NP_005874.1, residues 273-293): VEVVFWLLSM[Leu283=]ATRDQEDTAR

ClinVar aggregate classification (germline): Likely benign. Review status: criteria provided, multiple submitters, no conflicts (2 of 4 stars). 2 submissions from 2 submitters: Likely benign (2). Last evaluated 2026-09-08.

Conditions:
APC2-related disorder. Also called: APC2-Related Disorders; APC2-related condition.

Allele frequency attached by ClinVar (database versions not stated): ExAC 0.00006; ESP Exome Variant Server 0.00009; gnomAD 0.00019; TOPMed 0.00021; 1000 Genomes Project 30x 0.00047; 1000 Genomes Project 0.00060.
gnomAD v4.1: 48 of 1,592,890 alleles (0.003%); highest among the groups gnomAD compares: African/African-American, 0.059%; no homozygotes.

Submissions (2):

PreventionGenetics, part of Exact Sciences
Classification: Likely benign for APC2-related condition. Last evaluated: 2026-09-08. Review status: criteria provided, single submitter. Criteria: ACMG Guidelines, 2015. Collection method: clinical testing. Allele origin: germline.
Comment: This variant is classified as likely benign based on ACMG/AMP sequence variant interpretation guidelines (Richards et al. 2015 PMID: 25741868, with internal and published modifications).

Labcorp Genetics (formerly Invitae), Labcorp
Classification: Likely benign. Last evaluated: 2025-04-28. Review status: criteria provided, single submitter. Criteria: Invitae Variant Classification Sherloc (09022015). Collection method: clinical testing. Allele origin: germline.